The following is an entry in ClinVar:

ClinVar aggregate classification (germline): Uncertain significance. Review status: criteria provided, multiple submitters, no conflicts (2 of 4 stars). 2 submissions from 2 submitters: Uncertain significance (2). Last evaluated 2023-10-10.

Conditions:
Hereditary cancer-predisposing syndrome. Also called: Hereditary neoplastic syndrome; Neoplastic Syndromes, Hereditary; Tumor predisposition; Hereditary Cancer Syndrome. Identifiers: Orphanet 140162, MedGen C0027672, MeSH D009386, MONDO:0015356.
Familial melanoma. Also called: Hereditary melanoma; Hereditary cutaneous melanoma. Identifiers: Orphanet 618, MedGen C1512419, MONDO:0018961.

Allele frequency attached by ClinVar (database versions not stated): gnomAD exomes below 0.00001.

Submissions (2):

Labcorp Genetics (formerly Invitae), Labcorp
Classification: Uncertain significance for Familial melanoma. Last evaluated: 2023-10-10. Review status: criteria provided, single submitter. Criteria: Invitae Variant Classification Sherloc (09022015). Collection method: clinical testing. Allele origin: germline.
Comment: This sequence change replaces aspartic acid, which is acidic and polar, with glutamic acid, which is acidic and polar, at codon 105 of the CDK4 protein (p.Asp105Glu). This variant is not present in population databases (gnomAD no frequency). This variant has not been reported in the literature in individuals affected with CDK4-related conditions. ClinVar contains an entry for this variant (Variation ID: 835585). Advanced modeling of protein sequence and biophysical properties (such as structural, functional, and spatial information, amino acid conservation, physicochemical variation, residue mobility, and thermodynamic stability) performed at Invitae indicates that this missense variant is not expected to disrupt CDK4 protein function. In summary, the available evidence is currently insufficient to determine the role of this variant in disease. Therefore, it has been classified as a Variant of Uncertain Significance.

Ambry Genetics
Classification: Uncertain significance for Hereditary cancer-predisposing syndrome. Last evaluated: 2022-11-16. Review status: criteria provided, single submitter. Criteria: Ambry Variant Classification Scheme 2023. Collection method: clinical testing. Allele origin: germline.
Comment: The p.D105E variant (also known as c.315C>G), located in coding exon 2 of the CDK4 gene, results from a C to G substitution at nucleotide position 315. The aspartic acid at codon 105 is replaced by glutamic acid, an amino acid with highly similar properties. This amino acid position is conserved. In addition, this alteration is predicted to be tolerated by in silico analysis. Since supporting evidence is limited at this time, the clinical significance of this alteration remains unclear.

NM_000075.4(CDK4):c.315C>G (p.Asp105Glu)

Gene: CDK4 (cyclin dependent kinase 4; minus strand). Cytogenetic location: 12q14.1.
Variant type: single nucleotide variant.
Coding change: c.315C>G on transcript NM_000075.4 (MANE Select); coding-DNA position 315, C replaced by G.
Protein change: p.Asp105Glu; replaces aspartic acid 105 with glutamic acid.
Molecular consequence: missense variant.
Genome position (GRCh38, 1-based): chr12:57,751,246, G>C on the plus strand (C>G on the coding strand, the complement: CDK4 is on the minus strand). VCF-style: chr12-57751246-G-C. GRCh37 (hg19) VCF-style: chr12-58145029-G-C.
Other names: short protein forms D105E.
Identifiers: ClinVar variation 835585 (VCV000835585.11), dbSNP rs1158206003, ClinGen allele CA385547731.